The following is an entry in ClinVar:

ClinVar aggregate classification (germline): Conflicting classifications of pathogenicity. Review status: criteria provided, conflicting classifications (1 of 4 stars). 3 submissions from 3 submitters: Uncertain significance (2); Likely benign (1). Last evaluated 2025-03-24.

Allele frequency attached by ClinVar (database versions not stated): gnomAD 0.00002; gnomAD exomes 0.00002; TOPMed 0.00005; ExAC 0.00007.
gnomAD v4.1: 27 of 1,612,670 alleles (0.0017%); highest among the groups gnomAD compares: Admixed American, 0.033%; no homozygotes.

Submissions (3):

Labcorp Genetics (formerly Invitae), Labcorp
Classification: Uncertain significance. Last evaluated: 2025-03-24. Review status: criteria provided, single submitter. Criteria: Invitae Variant Classification Sherloc (09022015). Collection method: clinical testing. Allele origin: germline.
Comment: This sequence change replaces asparagine, which is neutral and polar, with serine, which is neutral and polar, at codon 287 of the THPO protein (p.Asn287Ser). This variant is present in population databases (rs758806943, gnomAD 0.05%). This variant has not been reported in the literature in individuals affected with THPO-related conditions. ClinVar contains an entry for this variant (Variation ID: 2443621). Invitae Evidence Modeling of protein sequence and biophysical properties (such as structural, functional, and spatial information, amino acid conservation, physicochemical variation, residue mobility, and thermodynamic stability) indicates that this missense variant is not expected to disrupt THPO protein function with a negative predictive value of 80%. In summary, the available evidence is currently insufficient to determine the role of this variant in disease. Therefore, it has been classified as a Variant of Uncertain Significance.

GeneDx
Classification: Uncertain significance. Last evaluated: 2022-09-07. Review status: criteria provided, single submitter. Criteria: GeneDx Variant Classification Process June 2021. Collection method: clinical testing. Allele origin: germline. Affected: yes.
Comment: In silico analysis supports that this missense variant does not alter protein structure/function; Has not been previously published as pathogenic or benign to our knowledge

Blueprint Genetics
Classification: Likely benign. Last evaluated: 2022-07-18. Review status: criteria provided, single submitter. Criteria: ACMG Guidelines, 2015. Collection method: clinical testing. Allele origin: germline.

NM_000460.4(THPO):c.860A>G (p.Asn287Ser)

Gene: THPO (thrombopoietin; minus strand). Cytogenetic location: 3q27.1.
Variant type: single nucleotide variant.
Coding change: c.860A>G on transcript NM_000460.4 (MANE Select); coding-DNA position 860, A replaced by G.
Protein change: p.Asn287Ser; replaces asparagine 287 with serine.
Molecular consequence: missense variant. On other transcripts: synonymous variant (4).
Genome position (GRCh38, 1-based): chr3:184,372,715, T>C on the plus strand (A>G on the coding strand, the complement: THPO is on the minus strand). VCF-style: chr3-184372715-T-C. GRCh37 (hg19) VCF-style: chr3-184090503-T-C.
Other names: c.848A>G, p.Asn283Ser (NM_001177597.2, NM_001290022.1); c.843A>G, p.Gln281= (NM_001177598.2, NM_001290026.1); c.744A>G, p.Gln248= (NM_001289997.1, NM_001290027.1); c.860A>G, p.Asn287Ser (NM_001289998.1, NM_001290028.1); c.1280A>G, p.Asn427Ser (NM_001290003.1); short protein forms N283S, N287S, N427S.
Identifiers: ClinVar variation 2443621 (VCV002443621.5), dbSNP rs758806943, ClinGen allele CA2734854.